The following is an entry in ClinVar:

ClinVar aggregate classification (germline): Uncertain significance (1 of 4 stars; one submission).

Allele frequency attached by ClinVar (database versions not stated): gnomAD 0.00002; TOPMed 0.00001.
gnomAD v4.1: 6 of 1,551,340 alleles (0.00039%); highest among the groups gnomAD compares: Admixed American, 0.0059%; no homozygotes.

Submission:

Labcorp Genetics (formerly Invitae), Labcorp
Classification: Uncertain significance. Last evaluated: 2021-05-27. Review status: criteria provided, single submitter. Criteria: Invitae Variant Classification Sherloc (09022015). Collection method: clinical testing. Allele origin: germline.
Comment: This variant has not been reported in the literature in individuals with UNC80-related conditions. This variant is not present in population databases (ExAC no frequency). This sequence change replaces arginine with cysteine at codon 1234 of the UNC80 protein (p.Arg1234Cys). The arginine residue is moderately conserved and there is a large physicochemical difference between arginine and cysteine. Algorithms developed to predict the effect of missense changes on protein structure and function are either unavailable or do not agree on the potential impact of this missense change (SIFT: "Not Available"; PolyPhen-2: "Probably Damaging"; Align-GVGD: "Not Available"). In summary, the available evidence is currently insufficient to determine the role of this variant in disease. Therefore, it has been classified as a Variant of Uncertain Significance.

NM_001371986.1(UNC80):c.3694C>T (p.Arg1232Cys)

Genes: UNC80 (unc-80 homolog, NALCN channel complex subunit; plus strand), LOC121725110 (Sharpr-MPRA regulatory region 8902; plus strand). Cytogenetic location: 2q34.
Variant type: single nucleotide variant.
Coding change: c.3694C>T on transcript NM_001371986.1 (MANE Select); coding-DNA position 3694, C replaced by T.
Protein change: p.Arg1232Cys; replaces arginine 1232 with cysteine.
Molecular consequence: missense variant.
Genome position (GRCh38, 1-based): chr2:209,872,824, C>T. VCF-style: chr2-209872824-C-T. GRCh37 (hg19) VCF-style: chr2-210737548-C-T.
Other names: c.3700C>T, p.Arg1234Cys (NM_032504.2); c.3685C>T, p.Arg1229Cys (NM_182587.4); short protein forms R1232C, R1234C, R1229C.
Identifiers: ClinVar variation 1465309 (VCV001465309.7), dbSNP rs1427993274, ClinGen allele CA350741493.